The following is an entry in ClinVar:

ClinVar aggregate classification (germline): Uncertain significance. Review status: criteria provided, multiple submitters, no conflicts (2 of 4 stars). 9 submissions from 9 submitters: Uncertain significance (9). Last evaluated 2026-08-01.

Conditions:
Familial adenomatous polyposis 3. Also called: NTHL1 Tumor Syndrome; NTHL1-Related Adenomatous Polyposis and Colorectal Cancer; NTHL1-related attenuated familial adenomatous polyposis; NTHL1-associated polyposis. Identifiers: Orphanet 220460, Orphanet 454840, MedGen C4225157, MONDO:0014630, OMIM 616415.
NTHL1-related disorder. Also called: NTHL1-related conditions; NTHL1-related condition.
Hereditary cancer-predisposing syndrome. Also called: Hereditary Cancer Syndrome; Neoplastic Syndromes, Hereditary; Tumor predisposition; Hereditary neoplastic syndrome. Identifiers: Orphanet 140162, MedGen C0027672, MeSH D009386, MONDO:0015356.

Allele frequency attached by ClinVar (database versions not stated): gnomAD exomes below 0.00001 and 0.00004; gnomAD 0.00001 and 0.00002; TOPMed 0.00003.
gnomAD v4.1: 63 of 1,607,038 alleles (0.0039%); highest among the groups gnomAD compares: Middle Eastern, 0.051%; no homozygotes.

Submissions (9):

CeGaT Center for Human Genetics Tuebingen
Classification: Uncertain significance. Last evaluated: 2026-08-01. Review status: criteria provided, single submitter. Criteria: CeGaT Center For Human Genetics Tuebingen Variant Classification Criteria Version 2. Collection method: clinical testing. Allele origin: germline. Affected: yes. Observed: 1 variant allele.
Comment: NTHL1: PP3

Labcorp Genetics (formerly Invitae), Labcorp
Classification: Uncertain significance. Last evaluated: 2026-02-01. Review status: criteria provided, single submitter. Criteria: Invitae Variant Classification Sherloc (09022015). Collection method: clinical testing. Allele origin: germline.
Comment: This sequence change replaces glycine, which is neutral and non-polar, with aspartic acid, which is acidic and polar, at codon 235 of the NTHL1 protein (p.Gly235Asp). This variant is present in population databases (no rsID available, gnomAD no frequency). This variant has not been reported in the literature in individuals affected with NTHL1-related conditions. ClinVar contains an entry for this variant (Variation ID: 649768). An algorithm developed to predict the effect of missense changes on protein structure and function (PolyPhen-2) suggests that this variant is likely to be disruptive. In summary, the available evidence is currently insufficient to determine the role of this variant in disease. Therefore, it has been classified as a Variant of Uncertain Significance.

PreventionGenetics, part of Exact Sciences
Classification: Uncertain significance for NTHL1-related condition. Last evaluated: 2025-08-22. Review status: criteria provided, single submitter. Criteria: ACMG Guidelines, 2015. Collection method: clinical testing. Allele origin: germline.
Comment: The NTHL1 c.704G>A variant is predicted to result in the amino acid substitution p.Gly235Asp. To our knowledge, this variant has not been reported in the literature. This variant is reported in 0.00041% of alleles in gnomAD and is reported as a variant of uncertain significance in ClinVar (Variation ID: 649768). At this time, the clinical significance of this variant is uncertain due to the absence of conclusive functional and genetic evidence.

Center for Genomic Medicine, Rigshospitalet, Copenhagen University Hospital
Classification: Uncertain significance. Last evaluated: 2025-03-04. Review status: criteria provided, single submitter. Criteria: ACMG Guidelines, 2015. Collection method: clinical testing. Allele origin: germline.

Ambry Genetics
Classification: Uncertain significance for Hereditary cancer-predisposing syndrome. Last evaluated: 2024-10-07. Review status: criteria provided, single submitter. Criteria: Ambry Variant Classification Scheme 2023. Collection method: clinical testing. Allele origin: germline.

Baylor Genetics
Classification: Uncertain significance for Familial adenomatous polyposis 3. Last evaluated: 2024-03-06. Review status: criteria provided, single submitter. Criteria: ACMG Guidelines, 2015. Collection method: clinical testing. Allele origin: unknown.

Fulgent Genetics
Classification: Uncertain significance for Familial adenomatous polyposis 3. Last evaluated: 2023-12-29. Review status: criteria provided, single submitter. Criteria: ACMG Guidelines, 2015. Collection method: clinical testing. Allele origin: germline.

Genetic Services Laboratory, University of Chicago
Classification: Uncertain significance. Last evaluated: 2021-09-30. Review status: criteria provided, single submitter. Criteria: ACMG Guidelines, 2015. Collection method: clinical testing. Allele origin: germline. Affected: no.
Comment: DNA sequence analysis of the NTHL1 gene demonstrated a sequence change, c.680G>A, in exon 4 that results in an amino acid change, p.Gly227Asp. This sequence change does not appear to have been previously described in individuals with NTHL1-related disorders. This sequence change has been described in the gnomAD database in one individual which corresponds to a population frequency of 0.00041% (dbSNP rs1055874267). The p.Gly227Asp change affects a highly conserved amino acid residue located in a domain of the NTHL1 protein that is known to be functional. The p.Gly227Asp substitution appears to be deleterious using several in-silico pathogenicity prediction tools (SIFT, PolyPhen2, Align GVGD, REVEL). Due to insufficient evidence and the lack of functional studies, the clinical significance of the p.Gly227Asp change remains unknown at this time.

GeneDx
Classification: Uncertain significance. Last evaluated: 2019-10-08. Review status: criteria provided, single submitter. Criteria: GeneDx Variant Classification Process June 2021. Collection method: clinical testing. Allele origin: germline. Affected: yes.
Comment: Not observed at a significant frequency in large population cohorts (Lek 2016); In silico analysis, which includes protein predictors and evolutionary conservation, supports a deleterious effect; Has not been previously published as pathogenic or benign to our knowledge

NM_002528.7(NTHL1):c.680G>A (p.Gly227Asp)

Gene: NTHL1 (nth like DNA glycosylase 1; minus strand). Cytogenetic location: 16p13.3.
Variant type: single nucleotide variant.
Coding change: c.680G>A on transcript NM_002528.7 (MANE Select); coding-DNA position 680, G replaced by A.
Protein change: p.Gly227Asp; replaces glycine 227 with aspartic acid.
Molecular consequence: missense variant.
Genome position (GRCh38, 1-based): chr16:2,043,572, C>T on the plus strand (G>A on the coding strand, the complement: NTHL1 is on the minus strand). VCF-style: chr16-2043572-C-T. GRCh37 (hg19) VCF-style: chr16-2093573-C-T.
Other names: c.680G>A, p.Gly227Asp (LRG_1366t1); c.509G>A, p.Gly170Asp (NM_001318193.2); c.350G>A, p.Gly117Asp (NM_001318194.2); short protein forms G227D, G170D, G117D.
Identifiers: ClinVar variation 649768 (VCV000649768.29), dbSNP rs1055874267, ClinGen allele CA276763830.